The following is an entry in ClinVar:

NM_000065.5(C6):c.1835C>T (p.Thr612Ile)

Gene: C6 (complement C6; minus strand). Cytogenetic location: 5p13.1.
Variant type: single nucleotide variant.
Coding change: c.1835C>T on transcript NM_000065.5 (MANE Select); coding-DNA position 1835, C replaced by T.
Protein change: p.Thr612Ile; replaces threonine 612 with isoleucine.
Molecular consequence: missense variant.
Genome position (GRCh38, 1-based): chr5:41,159,103, G>A on the plus strand (C>T on the coding strand, the complement: C6 is on the minus strand). VCF-style: chr5-41159103-G-A. GRCh37 (hg19) VCF-style: chr5-41159205-G-A.
Other names: c.1835C>T, p.Thr612Ile (NM_001115131.4); short protein forms T612I.
Identifiers: ClinVar variation 1520380 (VCV001520380.8), dbSNP rs2150260801, ClinGen allele CA359597110.

ClinVar aggregate classification (germline): Uncertain significance (1 of 4 stars; one submission).

Submission:

Labcorp Genetics (formerly Invitae), Labcorp
Classification: Uncertain significance. Last evaluated: 2025-07-14. Review status: criteria provided, single submitter. Criteria: Invitae Variant Classification Sherloc (09022015). Collection method: clinical testing. Allele origin: germline.
Comment: This sequence change replaces threonine, which is neutral and polar, with isoleucine, which is neutral and non-polar, at codon 612 of the C6 protein (p.Thr612Ile). This variant is not present in population databases (gnomAD no frequency). This variant has not been reported in the literature in individuals affected with C6-related conditions. ClinVar contains an entry for this variant (Variation ID: 1520380). An algorithm developed to predict the effect of missense changes on protein structure and function (PolyPhen-2) suggests that this variant is likely to be disruptive. In summary, the available evidence is currently insufficient to determine the role of this variant in disease. Therefore, it has been classified as a Variant of Uncertain Significance.